The following is an entry in ClinVar:

ClinVar aggregate classification (germline): Pathogenic (1 of 4 stars; one submission).

Conditions:
Ehlers-Danlos syndrome, type 4 (EDSVASC). Also called: Ehlers-Danlos syndrome vascular type; Ehlers Danlos syndrome, ecchymotic type; Ehlers Danlos syndrome, arterial type; Ehlers Danlos syndrome, Sack-Barabas type; Ehlers-Danlos Syndrome Type IV. Identifiers: Orphanet 286, MedGen C0268338, MONDO:0017314, OMIM 130050.

Submission:

Labcorp Genetics (formerly Invitae), Labcorp
Classification: Pathogenic for Ehlers-Danlos syndrome, type 4. Last evaluated: 2025-12-13. Review status: criteria provided, single submitter. Criteria: Invitae Variant Classification Sherloc (09022015). Collection method: clinical testing. Allele origin: germline.
Comment: This sequence change creates a premature translational stop signal (p.Glu1223*) in the COL3A1 gene. It is expected to result in an absent or disrupted protein product. Loss-of-function variants in COL3A1 are known to be pathogenic (PMID: 24922459). This variant is not present in population databases (gnomAD no frequency). This variant has not been reported in the literature in individuals affected with COL3A1-related conditions. For these reasons, this variant has been classified as Pathogenic.

Literature cited by the submitters: PubMed 24922459.

NM_000090.4(COL3A1):c.3667G>T (p.Glu1223Ter)

Gene: COL3A1 (collagen type III alpha 1 chain; plus strand). Cytogenetic location: 2q32.2.
Variant type: single nucleotide variant.
Coding change: c.3667G>T on transcript NM_000090.4 (MANE Select); coding-DNA position 3667, G replaced by T.
Protein change: p.Glu1223Ter; replaces glutamic acid 1223 with a stop codon.
Molecular consequence: nonsense.
Genome position (GRCh38, 1-based): chr2:189,009,065, G>T. VCF-style: chr2-189009065-G-T. GRCh37 (hg19) VCF-style: chr2-189873791-G-T.
Other names: short protein forms E1223*.
Identifiers: ClinVar variation 4733134 (VCV004733134.1).